The following is an entry in ClinVar:

NM_004329.3(BMPR1A):c.592_593delinsTT (p.Ala198Leu)

Gene: BMPR1A (bone morphogenetic protein receptor type 1A; plus strand). Cytogenetic location: 10q23.2.
Variant type: Indel.
Coding change: c.592_593delinsTT on transcript NM_004329.3 (MANE Select); coding-DNA positions 592 to 593, GC replaced by TT.
Protein change: p.Ala198Leu; replaces alanine 198 with leucine.
Molecular consequence: missense variant.
Genome position (GRCh38, 1-based): chr10:86,912,301-86,912,302, GC replaced by TT. VCF-style: chr10-86912301-GC-TT. GRCh37 (hg19) VCF-style: chr10-88672058-GC-TT.
Other names: short protein forms A198L.
Identifiers: ClinVar variation 1037087 (VCV001037087.7), dbSNP rs1843503016, ClinGen allele CA1925723438.

ClinVar aggregate classification (germline): Uncertain significance (1 of 4 stars; one submission).

Conditions:
Juvenile polyposis syndrome (JPS). Identifiers: Orphanet 2929, MedGen C0345893, MONDO:0017380, OMIM 174900.

Submission:

Labcorp Genetics (formerly Invitae), Labcorp
Classification: Uncertain significance for Juvenile polyposis syndrome. Last evaluated: 2020-10-14. Review status: criteria provided, single submitter. Criteria: Invitae Variant Classification Sherloc (09022015). Collection method: clinical testing. Allele origin: germline.
Comment: In summary, the available evidence is currently insufficient to determine the role of this variant in disease. Therefore, it has been classified as a Variant of Uncertain Significance. This sequence change replaces alanine with leucine at codon 198 of the BMPR1A protein (p.Ala198Leu). The alanine residue is moderately conserved and there is a moderate physicochemical difference between alanine and leucine. The frequency data for this variant in the population databases is not available, as this variant may be reported as separate entries in the ExAC database. This variant has not been reported in the literature in individuals with BMPR1A-related conditions. Algorithms developed to predict the effect of missense changes on protein structure and function are either unavailable or do not agree on the potential impact of this missense change (SIFT: "Not Available"; PolyPhen-2: "Benign"; Align-GVGD: "Not Available").